The following is an entry in ClinVar:

NM_012200.4(B3GAT3):c.175C>T (p.Arg59Ter)

Gene: B3GAT3 (beta-1,3-glucuronyltransferase 3; minus strand). Cytogenetic location: 11q12.3.
Variant type: single nucleotide variant.
Coding change: c.175C>T on transcript NM_012200.4 (MANE Select); coding-DNA position 175, C replaced by T.
Protein change: p.Arg59Ter; replaces arginine 59 with a stop codon.
Molecular consequence: nonsense. On other transcripts: non-coding transcript variant (1).
Genome position (GRCh38, 1-based): chr11:62,620,579, G>A on the plus strand (C>T on the coding strand, the complement: B3GAT3 is on the minus strand). VCF-style: chr11-62620579-G-A. GRCh37 (hg19) VCF-style: chr11-62388051-G-A.
Other names: c.154C>T, p.Arg52Ter (NM_001288721.2); c.175C>T, p.Arg59Ter (NM_001288722.2, NM_001288723.2); short protein forms R59*, R52*.
Identifiers: ClinVar variation 577885 (VCV000577885.14), dbSNP rs535206047, ClinGen allele CA6050192.
Genomic context (GRCh38, chr11:62,620,579, plus strand): 5'-CATAGATAGTAGGCAGGGCCTCGGGTTCAGGGGGCTGGGCAGGGGCAGGGGGTGGCCGTC[G>A]GAGTTCCGCTTGCAGCTGGGAAATCCTCAGATCCTTCTGCCGTAGCTGCTCGGCTGCTGC-3'

ClinVar aggregate classification (germline): Pathogenic/Likely pathogenic. Review status: criteria provided, multiple submitters, no conflicts (2 of 4 stars). 2 submissions from 2 submitters: Pathogenic (1); Likely pathogenic (1). Last evaluated 2025-05-04.

Conditions:
Larsen-like syndrome, B3GAT3 type. Also called: Multiple joint dislocations, short stature, craniofacial dysmorphism, with or without congenital heart defects; MULTIPLE JOINT DISLOCATIONS, SHORT STATURE, AND CRANIOFACIAL DYSMORPHISM WITH OR WITHOUT CONGENITAL HEART DEFECTS. Identifiers: Orphanet 284139, MedGen CN034159, MONDO:0009511, OMIM 245600.

Allele frequency attached by ClinVar (database versions not stated): gnomAD exomes 0.00001; ExAC 0.00002; TOPMed 0.00002; gnomAD 0.00004 and 0.00005; 1000 Genomes Project 30x 0.00016; 1000 Genomes Project 0.00020.
gnomAD v4.1: 20 of 1,612,496 alleles (0.0012%); highest among the groups gnomAD compares: Admixed American, 0.01%; no homozygotes.

Submissions (2):

GeneDx
Classification: Likely pathogenic. Last evaluated: 2025-05-04. Review status: criteria provided, single submitter. Criteria: GeneDx Variant Classification Process June 2021. Collection method: clinical testing. Allele origin: germline. Affected: yes.
Comment: Has not been previously published as pathogenic or benign to our knowledge; Not observed at significant frequency in large population cohorts (gnomAD); Nonsense variant predicted to result in protein truncation or nonsense mediated decay in a gene for which loss of function is a known mechanism of disease

Labcorp Genetics (formerly Invitae), Labcorp
Classification: Pathogenic for Larsen-like syndrome, B3GAT3 type. Last evaluated: 2023-10-11. Review status: criteria provided, single submitter. Criteria: Invitae Variant Classification Sherloc (09022015). Collection method: clinical testing. Allele origin: germline.
Comment: This sequence change creates a premature translational stop signal (p.Arg59*) in the B3GAT3 gene. It is expected to result in an absent or disrupted protein product. Loss-of-function variants in B3GAT3 are known to be pathogenic (PMID: 25893793, 27871226). This variant is present in population databases (rs535206047, gnomAD 0.006%). This variant has not been reported in the literature in individuals affected with B3GAT3-related conditions. ClinVar contains an entry for this variant (Variation ID: 577885). Algorithms developed to predict the effect of sequence changes on RNA splicing suggest that this variant may disrupt the consensus splice site. For these reasons, this variant has been classified as Pathogenic.

Literature cited by the submitters: PubMed 25893793 (cited by Labcorp Genetics (formerly Invitae), Labcorp); PubMed 27871226 (cited by Labcorp Genetics (formerly Invitae), Labcorp).